The following is an entry in ClinVar:

ClinVar aggregate classification (germline): Likely pathogenic (1 of 4 stars; one submission).

Conditions:
Pontocerebellar hypoplasia type 6 (PCH6). Identifiers: Orphanet 166073, MedGen C1969084, MONDO:0012683, OMIM 611523.

Submission:

Natera, Inc.
Classification: Likely pathogenic for Pontocerebellar hypoplasia, type 6. Last evaluated: 2026-01-19. Review status: criteria provided, single submitter. Criteria: Natera Variant Classification Schema (03/2026). Collection method: clinical testing. Allele origin: germline.
Comment: The c.1036-1G>A variant in RARS2 is a canonical splice acceptor site variant predicted to affect pre-mRNA splicing, which may result in an abnormal transcript and altered protein product. This variant is expected to result in nonsense mediated decay, truncation, or a dysfunctional protein product. This variant is rare in the general population with a frequency below the threshold expected for the associated phenotype(s). Given the available evidence, this variant is classified as Likely Pathogenic.

NM_020320.5(RARS2):c.1036-1G>A

Gene: RARS2 (arginyl-tRNA synthetase 2, mitochondrial; minus strand). Cytogenetic location: 6q15.
Variant type: single nucleotide variant.
Coding change: c.1036-1G>A on transcript NM_020320.5 (MANE Select); the canonical splice acceptor site of the intron before coding-DNA position 1036, G replaced by A.
Molecular consequence: splice acceptor variant.
Genome position (GRCh38, 1-based): chr6:87,520,257, C>T on the plus strand (G>A on the coding strand, the complement: RARS2 is on the minus strand). VCF-style: chr6-87520257-C-T. GRCh37 (hg19) VCF-style: chr6-88229975-C-T.
Other names: c.1036-1G>A (NM_001350505.2); c.511-1G>A (NM_001350509.2, NM_001318785.2, NM_001350506.2 and 4 more transcripts).
Identifiers: ClinVar variation 4816042 (VCV004816042.1).